The following is an entry in ClinVar:

ClinVar aggregate classification (germline): Uncertain significance (1 of 4 stars; one submission).

Conditions:
Cardiovascular phenotype. Identifiers: MedGen CN230736.

Submission:

Ambry Genetics
Classification: Uncertain significance for Cardiovascular phenotype. Last evaluated: 2024-10-24. Review status: criteria provided, single submitter. Criteria: Ambry Variant Classification Scheme 2023. Collection method: clinical testing. Allele origin: germline.
Comment: The c.627G>T variant (also known as p.A209A), located in coding exon 6 of the TRPM4 gene, results from a G to T substitution at nucleotide position 627. This nucleotide substitution does not change the amino acid at codon 209. This nucleotide position is poorly conserved in available vertebrate species. In silico splice site analysis predicts that this alteration will result in the creation or strengthening of a novel splice acceptor site. Based on the available evidence, the clinical significance of this variant remains unclear.

NM_017636.4(TRPM4):c.627G>T (p.Ala209=)

Gene: TRPM4 (transient receptor potential cation channel subfamily M member 4; plus strand). Cytogenetic location: 19q13.33.
Variant type: single nucleotide variant.
Coding change: c.627G>T on transcript NM_017636.4 (MANE Select); coding-DNA position 627, G replaced by T.
Protein change: p.Ala209=; no amino-acid change (alanine 209 retained).
Molecular consequence: synonymous variant. On other transcripts: 5 prime UTR variant (2).
Genome position (GRCh38, 1-based): chr19:49,168,567, G>T. VCF-style: chr19-49168567-G-T. GRCh37 (hg19) VCF-style: chr19-49671824-G-T.
Other names: c.627G>T, p.Ala209= (NM_001195227.2); c.282G>T, p.Ala94= (NM_001321281.2); c.-927G>T (NM_001321282.2); c.105G>T, p.Ala35= (NM_001321283.2); c.-223G>T (NM_001321285.2).
Identifiers: ClinVar variation 3462151 (VCV003462151.1).